The following is an entry in ClinVar:

NM_000531.6(OTC):c.540G>C (p.Gln180His)

Gene: OTC (ornithine transcarbamylase; plus strand). Cytogenetic location: Xp11.4.
Variant type: single nucleotide variant.
Coding change: c.540G>C on transcript NM_000531.6 (MANE Select); coding-DNA position 540, G replaced by C.
Protein change: p.Gln180His; replaces glutamine 180 with histidine.
Molecular consequence: missense variant.
Genome position (GRCh38, 1-based): chrX:38,401,428, G>C. VCF-style: chrX-38401428-G-C. GRCh37 (hg19) VCF-style: chrX-38260681-G-C.
Other names: short protein forms Q180H.
Identifiers: ClinVar variation 97242 (VCV000097242.9), dbSNP rs72556287, ClinGen allele CA224674.

ClinVar aggregate classification (germline): Pathogenic. Review status: criteria provided, single submitter (1 of 4 stars). 2 submissions from 2 submitters: Pathogenic (1). 1 of the submissions does not count toward it. Last evaluated 2020-02-27.

Conditions:
Ornithine carbamoyltransferase deficiency (OTCD). Also called: ORNITHINE TRANSCARBAMYLASE DEFICIENCY, HYPERAMMONEMIA DUE TO; ORNITHINE TRANSCARBAMYLASE DEFICIENCY; OTC DEFICIENCY; Ornithine Carbamoyltransferase Deficiency Disease. Identifiers: Orphanet 664, MedGen C0268542, MONDO:0010703, OMIM 311250.

Submissions (2):

Labcorp Genetics (formerly Invitae), Labcorp
Classification: Pathogenic for Ornithine carbamoyltransferase deficiency. Last evaluated: 2020-02-27. Review status: criteria provided, single submitter. Criteria: Invitae Variant Classification Sherloc (09022015). Collection method: clinical testing. Allele origin: germline.
Comment: This sequence change replaces glutamine with histidine at codon 180 of the OTC protein (p.Gln180His). The glutamine residue is highly conserved and there is a small physicochemical difference between glutamine and histidine. This variant also falls at the last nucleotide of exon 5 of the OTC coding sequence, which is part of the consensus splice site for this exon. This variant is not present in population databases (ExAC no frequency). This variant has been observed in individual(s) with OTC deficiency (PMID: 10946359, 9452024, Invitae). ClinVar contains an entry for this variant (Variation ID: 97242). Algorithms developed to predict the effect of missense changes on protein structure and function are either unavailable or do not agree on the potential impact of this missense change (SIFT: "Tolerated"; PolyPhen-2: "Probably Damaging"; Align-GVGD: "Class C0"). Nucleotide substitutions within the consensus splice site are a relatively common cause of aberrant splicing (PMID: 17576681, 9536098). Algorithms developed to predict the effect of sequence changes on RNA splicing suggest that this variant may disrupt the consensus splice site, but this prediction has not been confirmed by published transcriptional studies. For these reasons, this variant has been classified as Pathogenic.

GenMed Metabolism Lab
Classification: Pathogenic. Review status: no assertion criteria provided. Collection method: not provided. Allele origin: unknown. Not counted in ClinVar's aggregate classification.
Comment: p.Gln180His, Neonatal, Donor splice site error
ClinVar note: Converted during submission from pathogenic to Pathogenic.

Literature cited by the submitters: PubMed 10946359 (cited by Labcorp Genetics (formerly Invitae), Labcorp); PubMed 9452024 (cited by Labcorp Genetics (formerly Invitae), Labcorp); PubMed 17576681 (cited by Labcorp Genetics (formerly Invitae), Labcorp); PubMed 9536098 (cited by Labcorp Genetics (formerly Invitae), Labcorp).